The following is an entry in ClinVar:

ClinVar aggregate classification (germline): Likely pathogenic (1 of 4 stars; one submission).

Submission:

Labcorp Genetics (formerly Invitae), Labcorp
Classification: Likely pathogenic. Last evaluated: 2022-02-28. Review status: criteria provided, single submitter. Criteria: Invitae Variant Classification Sherloc (09022015). Collection method: clinical testing. Allele origin: germline.
Comment: In summary, the currently available evidence indicates that the variant is pathogenic, but additional data are needed to prove that conclusively. Therefore, this variant has been classified as Likely Pathogenic. Algorithms developed to predict the effect of missense changes on protein structure and function are either unavailable or do not agree on the potential impact of this missense change (SIFT: "Tolerated"; PolyPhen-2: "Probably Damaging"; Align-GVGD: "Class C0"). This missense change has been observed in individual(s) with a neurodevelopmental disorder (Invitae). In at least one individual the variant was observed to be de novo. This variant is not present in population databases (gnomAD no frequency). This sequence change replaces threonine, which is neutral and polar, with serine, which is neutral and polar, at codon 514 of the CLCN3 protein (p.Thr514Ser).

NM_001829.4(CLCN3):c.1540A>T (p.Thr514Ser)

Gene: CLCN3 (chloride voltage-gated channel 3; plus strand). Cytogenetic location: 4q33.
Variant type: single nucleotide variant.
Coding change: c.1540A>T on transcript NM_001829.4 (MANE Select); coding-DNA position 1540, A replaced by T.
Protein change: p.Thr514Ser; replaces threonine 514 with serine.
Molecular consequence: missense variant.
Genome position (GRCh38, 1-based): chr4:169,697,711, A>T. VCF-style: chr4-169697711-A-T. GRCh37 (hg19) VCF-style: chr4-170618862-A-T.
Other names: c.1459A>T, p.Thr487Ser (NM_001243372.2, NM_001243374.2); c.1540A>T, p.Thr514Ser (NM_173872.4); short protein forms T514S, T487S.
Identifiers: ClinVar variation 2104448 (VCV002104448.4), dbSNP rs2477060004, ClinGen allele CA358740304.